The following is an entry in ClinVar:

ClinVar aggregate classification (germline): Uncertain significance (1 of 4 stars; one submission).

Submission:

GeneDx
Classification: Uncertain significance. Last evaluated: 2024-06-25. Review status: criteria provided, single submitter. Criteria: GeneDx Variant Classification Process June 2021. Collection method: clinical testing. Allele origin: germline. Affected: yes.
Comment: Not observed at significant frequency in large population cohorts (gnomAD); In silico analysis supports that this missense variant has a deleterious effect on protein structure/function; Has not been previously published as pathogenic or benign to our knowledge

NM_006521.6(TFE3):c.593A>G (p.Gln198Arg)

Gene: TFE3 (transcription factor binding to IGHM enhancer 3; minus strand). Cytogenetic location: Xp11.23.
Variant type: single nucleotide variant.
Coding change: c.593A>G on transcript NM_006521.6 (MANE Select); coding-DNA position 593, A replaced by G.
Protein change: p.Gln198Arg; replaces glutamine 198 with arginine.
Molecular consequence: missense variant.
Genome position (GRCh38, 1-based): chrX:49,038,384, T>C on the plus strand (A>G on the coding strand, the complement: TFE3 is on the minus strand). VCF-style: chrX-49038384-T-C. GRCh37 (hg19) VCF-style: chrX-48895909-T-C.
Other names: c.278A>G, p.Gln93Arg (NM_001282142.2); short protein forms Q198R, Q93R.
Identifiers: ClinVar variation 1318546 (VCV001318546.3), dbSNP rs2147776402, ClinGen allele CA412910520.
Genomic context (GRCh38, chrX:49,038,384, plus strand): 5'-GGGGTGAGGGCCTGGGAAGCCAGCTTGGGCCCGAGTGTGGTGGACAGGTACTGTTTCACC[T>C]GCTGCCGGCGCGCCTGCTGCAGGTGGTAGCGCGTTGGGTTCTCCAGATGGGTCTGCACCT-3'
Protein context (NP_006512.2, residues 188-208): RYHLQQARRQ[Gln198Arg]VKQYLSTTLG